The following is an entry in ClinVar:

ClinVar aggregate classification (germline): Pathogenic. Review status: criteria provided, multiple submitters, no conflicts (2 of 4 stars). 6 submissions from 6 submitters: Pathogenic (6). Last evaluated 2025-12-19.

Conditions:
Breast-ovarian cancer, familial, susceptibility to, 5 (BROVCA5). Identifiers: MedGen C5830615, MONDO:0957530, OMIM 620442.
Hereditary cancer-predisposing syndrome. Also called: Hereditary neoplastic syndrome; Tumor predisposition; Hereditary Cancer Syndrome; Neoplastic Syndromes, Hereditary. Identifiers: Orphanet 140162, MedGen C0027672, MeSH D009386, MONDO:0015356.
Inherited breast cancer and ovarian cancer.
Familial cancer of breast. Also called: hereditary breast carcinoma; Hereditary breast cancer; BREAST CANCER, FAMILIAL. Identifiers: Orphanet 227535, MedGen C0346153, MONDO:0016419, OMIM 114480. Disease mechanism: loss of function.

Submissions (6):

Dasa
Classification: Pathogenic for Breast-ovarian cancer, familial, susceptibility to, 5. Last evaluated: 2025-12-19. Review status: criteria provided, single submitter. Criteria: DASA Assertion Criteria. Collection method: clinical testing. Allele origin: germline.
Comment: NM_024675.4(PALB2):c.355del (p.Gln119Lysfs*58) is a frameshift variant in PALB2 predicted to alter the reading frame and introduce a premature termination codon and is predicted to result in an absent or altered protein product. Loss of function is an established disease mechanism for PALB2 (PMID: 17200668; PMID: 25099575; PMID: 31841383). The affected residue or protein region has prior evidence supporting clinical relevance. Also, this variant is absent from population databases. Based on the currently available evidence, this variant is classified as pathogenic.

Genetics Laboratory, Great Ormond Street Hospital NHS Foundation Trust, North Thames Genomic Laboratory Hub
Classification: Pathogenic for Inherited breast cancer and ovarian cancer. Last evaluated: 2025-11-28. Review status: criteria provided, single submitter. Criteria: CanVIG PALB2 Gene Specific V1.2. Collection method: clinical testing. Allele origin: germline. Affected: yes.
Comment: PM2_supporting, PVS1_very-strong, PM5_supporting

Myriad Genetics, Inc.
Classification: Pathogenic for Familial cancer of breast. Last evaluated: 2023-09-06. Review status: criteria provided, single submitter. Criteria: Myriad Autosomal Dominant, Autosomal Recessive and X-Linked Classification Criteria (2023). Collection method: clinical testing. Allele origin: unknown.
Comment: This variant is considered pathogenic. This variant creates a frameshift predicted to result in premature protein truncation.

Labcorp Genetics (formerly Invitae), Labcorp
Classification: Pathogenic for Familial cancer of breast. Last evaluated: 2022-07-08. Review status: criteria provided, single submitter. Criteria: Invitae Variant Classification Sherloc (09022015). Collection method: clinical testing. Allele origin: germline.
Comment: This sequence change creates a premature translational stop signal (p.Gln119Lysfs*58) in the PALB2 gene. It is expected to result in an absent or disrupted protein product. Loss-of-function variants in PALB2 are known to be pathogenic (PMID: 17200668, 17200671, 17200672, 24136930, 25099575). This variant is not present in population databases (gnomAD no frequency). This variant has not been reported in the literature in individuals affected with PALB2-related conditions. ClinVar contains an entry for this variant (Variation ID: 410145). For these reasons, this variant has been classified as Pathogenic.

Laboratorio de Genetica e Diagnostico Molecular, Hospital Israelita Albert Einstein
Classification: Pathogenic for Familial cancer of breast. Last evaluated: 2021-10-06. Review status: criteria provided, single submitter. Criteria: ACMG Guidelines, 2015. Collection method: clinical testing. Allele origin: germline. Affected: yes.
Comment: ACMG classification criteria: PVS1 very strong, PS4 supporting, PM2 moderate

Color Diagnostics, LLC DBA Color Health
Classification: Pathogenic for Hereditary cancer-predisposing syndrome. Last evaluated: 2020-01-15. Review status: criteria provided, single submitter. Criteria: ACMG Guidelines, 2015. Collection method: clinical testing. Allele origin: germline.
Comment: This variant deletes 1 nucleotide in exon 4 of the PALB2 gene, creating a frameshift and premature translation stop signal. This variant is expected to result in an absent or non-functional protein product. This variant has not been identified in the general population by the Genome Aggregation Database (gnomAD). Loss of PALB2 function is a known mechanism of disease. Based on the available evidence, this variant is classified as Pathogenic.

Literature cited by the submitters: PubMed 17200668 (cited by Dasa and Labcorp Genetics (formerly Invitae), Labcorp); PubMed 25099575 (cited by Dasa and Labcorp Genetics (formerly Invitae), Labcorp); PubMed 31841383 (cited by Dasa); PubMed 17200671 (cited by Labcorp Genetics (formerly Invitae), Labcorp); PubMed 17200672 (cited by Labcorp Genetics (formerly Invitae), Labcorp); PubMed 24136930 (cited by Labcorp Genetics (formerly Invitae), Labcorp).

NM_024675.4(PALB2):c.355del (p.Gln119fs)

Gene: PALB2 (partner and localizer of BRCA2; minus strand). Cytogenetic location: 16p12.2.
Variant type: Deletion.
Coding change: c.355del on transcript NM_024675.4 (MANE Select); coding-DNA position 355, one base deleted (C; older notation c.355delC).
Protein change: p.Gln119fs; shifts the reading frame from glutamine 119.
Molecular consequence: frameshift variant.
Genome position (GRCh38, 1-based): chr16:23,636,191, G deleted on the plus strand (C on the coding strand, the reverse complement: PALB2 is on the minus strand). VCF-style (leftmost placement, unchanged base first): chr16-23636190-TG-T. GRCh37 (hg19) VCF-style: chr16-23647511-TG-T.
Other names: c.355delC (NM_024675.3).
Identifiers: ClinVar variation 410145 (VCV000410145.19), dbSNP rs1060502760, ClinGen allele CA16615125.